The following is an entry in ClinVar:

ClinVar aggregate classification (germline): Uncertain significance (1 of 4 stars; one submission).

Conditions:
Immunodeficiency 132A. Also called: Herpes simplex encephalitis, susceptibility to, 3. Identifiers: Orphanet 1930, MedGen C3553868, MONDO:0013920, OMIM 614849.

gnomAD v4.1: 3 of 1,613,450 alleles (0.00019%); highest among the groups gnomAD compares: East Asian, 0.0022%; no homozygotes.

Submission:

Labcorp Genetics (formerly Invitae), Labcorp
Classification: Uncertain significance for Immunodeficiency 132A. Last evaluated: 2025-05-12. Review status: criteria provided, single submitter. Criteria: Invitae Variant Classification Sherloc (09022015). Collection method: clinical testing. Allele origin: germline.
Comment: This sequence change replaces alanine, which is neutral and non-polar, with serine, which is neutral and polar, at codon 188 of the TRAF3 protein (p.Ala188Ser). This variant is present in population databases (rs137916856, gnomAD 0.002%). This variant has not been reported in the literature in individuals affected with TRAF3-related conditions. An algorithm developed to predict the effect of missense changes on protein structure and function (PolyPhen-2) suggests that this variant is likely to be tolerated. In summary, the available evidence is currently insufficient to determine the role of this variant in disease. Therefore, it has been classified as a Variant of Uncertain Significance.

NM_145725.3(TRAF3):c.562G>T (p.Ala188Ser)

Gene: TRAF3 (TNF receptor associated factor 3; plus strand). Cytogenetic location: 14q32.32.
Variant type: single nucleotide variant.
Coding change: c.562G>T on transcript NM_145725.3 (MANE Select); coding-DNA position 562, G replaced by T.
Protein change: p.Ala188Ser; replaces alanine 188 with serine.
Molecular consequence: missense variant.
Genome position (GRCh38, 1-based): chr14:102,876,517, G>T. VCF-style: chr14-102876517-G-T. GRCh37 (hg19) VCF-style: chr14-103342854-G-T.
Other names: c.562G>T, p.Ala188Ser (NM_001199427.2, NM_001385142.1, NM_001385143.1 and 2 more transcripts); short protein forms A188S.
Identifiers: ClinVar variation 4763827 (VCV004763827.1).